The following is an entry in ClinVar:

NM_003500.4(ACOX2):c.104G>A (p.Arg35Gln)

Gene: ACOX2 (acyl-CoA oxidase 2; minus strand). Cytogenetic location: 3p14.3.
Variant type: single nucleotide variant.
Coding change: c.104G>A on transcript NM_003500.4 (MANE Select); coding-DNA position 104, G replaced by A.
Protein change: p.Arg35Gln; replaces arginine 35 with glutamine.
Molecular consequence: missense variant.
Genome position (GRCh38, 1-based): chr3:58,535,003, C>T on the plus strand (G>A on the coding strand, the complement: ACOX2 is on the minus strand). VCF-style: chr3-58535003-C-T. GRCh37 (hg19) VCF-style: chr3-58520730-C-T.
Other names: c.104G>A (NM_003500.3); short protein forms R35Q.
Identifiers: ClinVar variation 2141172 (VCV002141172.5), dbSNP rs142945476, ClinGen allele CA2472539.

ClinVar aggregate classification (germline): Conflicting classifications of pathogenicity. Review status: criteria provided, conflicting classifications (1 of 4 stars). 2 submissions from 2 submitters: Uncertain significance (1); Likely benign (1). Last evaluated 2026-08-11.

Conditions:
ACOX2-related disorder. Also called: ACOX2-related condition.

Allele frequency attached by ClinVar (database versions not stated): gnomAD exomes 0.00012; ExAC 0.00016; 1000 Genomes Project 0.00040; TOPMed 0.00043; gnomAD 0.00050; 1000 Genomes Project 30x 0.00062; ESP Exome Variant Server 0.00062.
gnomAD v4.1: 245 of 1,614,184 alleles (0.015%); highest among the groups gnomAD compares: African/African-American, 0.16%; 1 homozygote.

Submissions (2):

PreventionGenetics, part of Exact Sciences
Classification: Likely benign for ACOX2-related condition. Last evaluated: 2026-08-11. Review status: criteria provided, single submitter. Criteria: ACMG Guidelines, 2015. Collection method: clinical testing. Allele origin: germline.
Comment: This variant is classified as likely benign based on ACMG/AMP sequence variant interpretation guidelines (Richards et al. 2015 PMID: 25741868, with internal and published modifications).

Labcorp Genetics (formerly Invitae), Labcorp
Classification: Uncertain significance. Last evaluated: 2025-12-30. Review status: criteria provided, single submitter. Criteria: Invitae Variant Classification Sherloc (09022015). Collection method: clinical testing. Allele origin: germline.
Comment: This sequence change replaces arginine, which is basic and polar, with glutamine, which is neutral and polar, at codon 35 of the ACOX2 protein (p.Arg35Gln). This variant is present in population databases (rs142945476, gnomAD 0.1%), and has an allele count higher than expected for a pathogenic variant. This variant has not been reported in the literature in individuals affected with ACOX2-related conditions. ClinVar contains an entry for this variant (Variation ID: 2141172). Invitae Evidence Modeling of protein sequence and biophysical properties (such as structural, functional, and spatial information, amino acid conservation, physicochemical variation, residue mobility, and thermodynamic stability) indicates that this missense variant is not expected to disrupt ACOX2 protein function with a negative predictive value of 80%. In summary, the available evidence is currently insufficient to determine the role of this variant in disease. Therefore, it has been classified as a Variant of Uncertain Significance.